The following is an entry in ClinVar:

ClinVar aggregate classification (germline): Uncertain significance (1 of 4 stars; one submission).

Submission:

Labcorp Genetics (formerly Invitae), Labcorp
Classification: Uncertain significance. Last evaluated: 2025-09-28. Review status: criteria provided, single submitter. Criteria: Invitae Variant Classification Sherloc (09022015). Collection method: clinical testing. Allele origin: germline.
Comment: This sequence change replaces proline, which is neutral and non-polar, with serine, which is neutral and polar, at codon 274 of the TBXA2R protein (p.Pro274Ser). This variant is not present in population databases (gnomAD no frequency). This variant has not been reported in the literature in individuals affected with TBXA2R-related conditions. Invitae Evidence Modeling of protein sequence and biophysical properties (such as structural, functional, and spatial information, amino acid conservation, physicochemical variation, residue mobility, and thermodynamic stability) indicates that this missense variant is not expected to disrupt TBXA2R protein function with a negative predictive value of 80%. In summary, the available evidence is currently insufficient to determine the role of this variant in disease. Therefore, it has been classified as a Variant of Uncertain Significance.

NM_001060.6(TBXA2R):c.820C>T (p.Pro274Ser)

Gene: TBXA2R (thromboxane A2 receptor; minus strand). Cytogenetic location: 19p13.3.
Variant type: single nucleotide variant.
Coding change: c.820C>T on transcript NM_001060.6 (MANE Select); coding-DNA position 820, C replaced by T.
Protein change: p.Pro274Ser; replaces proline 274 with serine.
Molecular consequence: missense variant.
Genome position (GRCh38, 1-based): chr19:3,595,900, G>A on the plus strand (C>T on the coding strand, the complement: TBXA2R is on the minus strand). VCF-style: chr19-3595900-G-A. GRCh37 (hg19) VCF-style: chr19-3595898-G-A.
Other names: c.820C>T, p.Pro274Ser (NM_201636.3); short protein forms P274S.
Identifiers: ClinVar variation 4691563 (VCV004691563.1).